The following is an entry in ClinVar:

ClinVar aggregate classification (germline): Uncertain significance. Review status: criteria provided, multiple submitters, no conflicts (2 of 4 stars). 2 submissions from 2 submitters: Uncertain significance (2). Last evaluated 2025-01-01.

Conditions:
Hereditary cancer-predisposing syndrome. Also called: Hereditary Cancer Syndrome; Hereditary neoplastic syndrome; Neoplastic Syndromes, Hereditary; Tumor predisposition. Identifiers: Orphanet 140162, MedGen C0027672, MeSH D009386, MONDO:0015356.

Allele frequency attached by ClinVar (database versions not stated): TOPMed below 0.00001; gnomAD exomes 0.00001; ExAC 0.00002.
gnomAD v4.1: 4 of 1,613,676 alleles (0.00025%); highest among the groups gnomAD compares: South Asian, 0.0033%; no homozygotes.

Submissions (2):

Ambry Genetics
Classification: Uncertain significance for Hereditary cancer-predisposing syndrome. Last evaluated: 2025-01-01. Review status: criteria provided, single submitter. Criteria: Ambry Variant Classification Scheme 2023. Collection method: clinical testing. Allele origin: germline.
Comment: The p.Q859H variant (also known as c.2577G>T), located in coding exon 16 of the RAD50 gene, results from a G to T substitution at nucleotide position 2577. The glutamine at codon 859 is replaced by histidine, an amino acid with highly similar properties. This amino acid position is conserved. In addition, the in silico prediction for this alteration is inconclusive. Based on the available evidence, the clinical significance of this variant remains unclear.

Labcorp Genetics (formerly Invitae), Labcorp
Classification: Uncertain significance for Hereditary cancer-predisposing syndrome. Last evaluated: 2022-06-22. Review status: criteria provided, single submitter. Criteria: Invitae Variant Classification Sherloc (09022015). Collection method: clinical testing. Allele origin: germline.
Comment: This sequence change replaces glutamine, which is neutral and polar, with histidine, which is basic and polar, at codon 859 of the RAD50 protein (p.Gln859His). This variant is present in population databases (rs765674469, gnomAD 0.01%). This variant has not been reported in the literature in individuals affected with RAD50-related conditions. Algorithms developed to predict the effect of missense changes on protein structure and function are either unavailable or do not agree on the potential impact of this missense change (SIFT: "Deleterious"; PolyPhen-2: "Benign"; Align-GVGD: "Class C0"). In summary, the available evidence is currently insufficient to determine the role of this variant in disease. Therefore, it has been classified as a Variant of Uncertain Significance.

NM_005732.4(RAD50):c.2577G>T (p.Gln859His)

Gene: RAD50 (RAD50 double strand break repair protein; plus strand). Cytogenetic location: 5q31.1.
Variant type: single nucleotide variant.
Coding change: c.2577G>T on transcript NM_005732.4 (MANE Select); coding-DNA position 2577, G replaced by T.
Protein change: p.Gln859His; replaces glutamine 859 with histidine.
Molecular consequence: missense variant.
Genome position (GRCh38, 1-based): chr5:132,604,858, G>T. VCF-style: chr5-132604858-G-T. GRCh37 (hg19) VCF-style: chr5-131940550-G-T.
Other names: c.2577G>T (NM_005732.3); short protein forms Q859H.
Identifiers: ClinVar variation 1925111 (VCV001925111.6), dbSNP rs765674469, ClinGen allele CA3405430.
Genomic context (GRCh38, chr5:132,604,858, plus strand): 5'-TTGTGTAGTTTCTAGTAAGATTGAATTGAATCGTAAGCTTATACAGGACCAGCAGGAACA[G>T]ATTCAACATCTAAAAAGTACAACAAATGAGCTAAAATCTGAGAAACTTCAGATATCCACT-3'
Protein context (NP_005723.2, residues 849-869): NRKLIQDQQE[Gln859His]IQHLKSTTNE